The following is an entry in ClinVar:

ClinVar aggregate classification (germline): Conflicting classifications of pathogenicity. Review status: criteria provided, conflicting classifications (1 of 4 stars). 6 submissions from 6 submitters: Uncertain significance (4); Likely benign (1). 1 of the submissions does not count toward it. Last evaluated 2026-05-01.

Conditions:
CACNA1B-related disorder. Also called: CACNA1B-related condition.
Neurodevelopmental disorder with seizures and nonepileptic hyperkinetic movements. Identifiers: MedGen C5193128, MONDO:0032784, OMIM 618497.

Allele frequency attached by ClinVar (database versions not stated): 1000 Genomes Project 0.00020; 1000 Genomes Project 30x 0.00078; ExAC 0.01563.
gnomAD v4.1: 362 of 1,287,600 alleles (0.028%); highest among the groups gnomAD compares: South Asian, 0.8%; 4 homozygotes.

Submissions (6):

CeGaT Center for Human Genetics Tuebingen
Classification: Likely benign. Last evaluated: 2026-05-01. Review status: criteria provided, single submitter. Criteria: CeGaT Center For Human Genetics Tuebingen Variant Classification Criteria Version 2. Collection method: clinical testing. Allele origin: germline. Affected: yes. Observed: 2 variant alleles.
Comment: CACNA1B: PP3, BS2

GeneDx
Classification: Uncertain significance. Last evaluated: 2025-04-26. Review status: criteria provided, single submitter. Criteria: GeneDx Variant Classification Process June 2021. Collection method: clinical testing. Allele origin: germline.
Comment: Identified in heterozygous state in siblings with generalized dystonia in published literature; however, segregation data was limited due to insufficient participation by informative family members (PMID: 35698023); In silico analysis supports that this missense variant has a deleterious effect on protein structure/function; This variant is associated with the following publications: (PMID: 35698023, 37838930)

Blueprint Genetics
Classification: Uncertain significance. Last evaluated: 2024-10-08. Review status: criteria provided, single submitter. Criteria: ACMG Guidelines, 2015. Collection method: clinical testing. Allele origin: germline.

Labcorp Genetics (formerly Invitae), Labcorp
Classification: Uncertain significance. Last evaluated: 2024-01-10. Review status: criteria provided, single submitter. Criteria: Invitae Variant Classification Sherloc (09022015). Collection method: clinical testing. Allele origin: germline.
Comment: This sequence change replaces lysine, which is basic and polar, with methionine, which is neutral and non-polar, at codon 894 of the CACNA1B protein (p.Lys894Met). This variant is present in population databases (rs550100275, gnomAD 1.1%). This variant has not been reported in the literature in individuals affected with CACNA1B-related conditions. ClinVar contains an entry for this variant (Variation ID: 2155236). Advanced modeling of protein sequence and biophysical properties (such as structural, functional, and spatial information, amino acid conservation, physicochemical variation, residue mobility, and thermodynamic stability) performed at Invitae indicates that this missense variant is not expected to disrupt CACNA1B protein function with a negative predictive value of 95%. In summary, the available evidence is currently insufficient to determine the role of this variant in disease. Therefore, it has been classified as a Variant of Uncertain Significance.

Revvity Omics, Revvity
Classification: Uncertain significance for Neurodevelopmental disorder with seizures and nonepileptic hyperkinetic movements. Last evaluated: 2023-07-25. Review status: criteria provided, single submitter. Criteria: ACMG Guidelines, 2015. Collection method: clinical testing. Allele origin: germline.

PreventionGenetics, part of Exact Sciences
Classification: Benign for CACNA1B-related condition. Last evaluated: 2020-09-21. Review status: no assertion criteria provided. Collection method: clinical testing. Allele origin: germline. Not counted in ClinVar's aggregate classification.
Comment: This variant is classified as benign based on ACMG/AMP sequence variant interpretation guidelines (Richards et al. 2015 PMID: 25741868, with internal and published modifications).

NM_000718.4(CACNA1B):c.2681A>T (p.Lys894Met)

Gene: CACNA1B (calcium voltage-gated channel subunit alpha1 B; plus strand). Cytogenetic location: 9q34.3.
Variant type: single nucleotide variant.
Coding change: c.2681A>T on transcript NM_000718.4 (MANE Select); coding-DNA position 2681, A replaced by T.
Protein change: p.Lys894Met; replaces lysine 894 with methionine.
Molecular consequence: missense variant.
Genome position (GRCh38, 1-based): chr9:138,023,424, A>T. VCF-style: chr9-138023424-A-T. GRCh37 (hg19) VCF-style: chr9-140917876-A-T.
Other names: c.2681A>T, p.Lys894Met (NM_001243812.2); c.2681A>T (NM_000718.3); short protein forms K894M.
Identifiers: ClinVar variation 2155236 (VCV002155236.29), dbSNP rs550100275, ClinGen allele CA5376495.